The following is an entry in ClinVar:

ClinVar aggregate classification (germline): Uncertain significance (1 of 4 stars; one submission).

Conditions:
Early-infantile DEE. Also called: Ohtahara syndrome; Early infantile epileptic encephalopathy with suppression bursts; Early infantile epileptic encephalopathy. Identifiers: Orphanet 1934, MedGen C0393706, MONDO:0800491.

Submission:

Labcorp Genetics (formerly Invitae), Labcorp
Classification: Uncertain significance for Early-infantile DEE. Last evaluated: 2023-04-15. Review status: criteria provided, single submitter. Criteria: Invitae Variant Classification Sherloc (09022015). Collection method: clinical testing. Allele origin: germline.
Comment: Advanced modeling of protein sequence and biophysical properties (such as structural, functional, and spatial information, amino acid conservation, physicochemical variation, residue mobility, and thermodynamic stability) performed at Invitae indicates that this missense variant is expected to disrupt KCNQ2 protein function. In summary, the available evidence is currently insufficient to determine the role of this variant in disease. Therefore, it has been classified as a Variant of Uncertain Significance. This variant has not been reported in the literature in individuals affected with KCNQ2-related conditions. This variant is not present in population databases (gnomAD no frequency). This sequence change replaces serine, which is neutral and polar, with arginine, which is basic and polar, at codon 199 of the KCNQ2 protein (p.Ser199Arg).

NM_172107.4(KCNQ2):c.597C>A (p.Ser199Arg)

Gene: KCNQ2 (potassium voltage-gated channel subfamily Q member 2; minus strand). Cytogenetic location: 20q13.33.
Variant type: single nucleotide variant.
Coding change: c.597C>A on transcript NM_172107.4 (MANE Select); coding-DNA position 597, C replaced by A.
Protein change: p.Ser199Arg; replaces serine 199 with arginine.
Molecular consequence: missense variant.
Genome position (GRCh38, 1-based): chr20:63,444,752, G>T on the plus strand (C>A on the coding strand, the complement: KCNQ2 is on the minus strand). VCF-style: chr20-63444752-G-T. GRCh37 (hg19) VCF-style: chr20-62076105-G-T.
Other names: c.597C>A, p.Ser199Arg (NM_001382235.1, NM_004518.6, NM_172106.3 and 2 more transcripts); short protein forms S199R.
Identifiers: ClinVar variation 2856707 (VCV002856707.3), dbSNP rs2516503634, ClinGen allele CA409654810.